The following is an entry in ClinVar:

NM_004380.3(CREBBP):c.6840G>A (p.Gly2280=)

Gene: CREBBP (CREB binding lysine acetyltransferase; minus strand). Cytogenetic location: 16p13.3.
Variant type: single nucleotide variant.
Coding change: c.6840G>A on transcript NM_004380.3 (MANE Select); coding-DNA position 6840, G replaced by A.
Protein change: p.Gly2280=; no amino-acid change (glycine 2280 retained).
Molecular consequence: synonymous variant.
Genome position (GRCh38, 1-based): chr16:3,728,207, C>T on the plus strand (G>A on the coding strand, the complement: CREBBP is on the minus strand). VCF-style: chr16-3728207-C-T. GRCh37 (hg19) VCF-style: chr16-3778208-C-T.
Other names: c.6726G>A, p.Gly2242= (NM_001079846.1).
Identifiers: ClinVar variation 4998504 (VCV004998504.1).

ClinVar aggregate classification (germline): Likely benign (1 of 4 stars; one submission).

Conditions:
CREBBP-related disorder. Also called: CREBBP-related condition; CREBBP-related disorders.

Submission:

PreventionGenetics, part of Exact Sciences
Classification: Likely benign for CREBBP-related condition. Last evaluated: 2025-07-16. Review status: criteria provided, single submitter. Criteria: ACMG Guidelines, 2015. Collection method: clinical testing. Allele origin: germline.
Comment: This variant is classified as likely benign based on ACMG/AMP sequence variant interpretation guidelines (Richards et al. 2015 PMID: 25741868, with internal and published modifications).